The following is an entry in ClinVar:

NM_001375524.1(TRRAP):c.11307C>T (p.Val3769=)

Gene: TRRAP (transformation/transcription domain associated protein; plus strand). Cytogenetic location: 7q22.1.
Variant type: single nucleotide variant.
Coding change: c.11307C>T on transcript NM_001375524.1 (MANE Select); coding-DNA position 11307, C replaced by T.
Protein change: p.Val3769=; no amino-acid change (valine 3769 retained).
Molecular consequence: synonymous variant.
Genome position (GRCh38, 1-based): chr7:99,011,505, C>T. VCF-style: chr7-99011505-C-T. GRCh37 (hg19) VCF-style: chr7-98609128-C-T.
Other names: c.11178C>T (NM_003496.3); c.11265C>T, p.Val3755= (NM_001244580.2); c.11178C>T, p.Val3726= (NM_003496.4).
Identifiers: ClinVar variation 2986782 (VCV002986782.6), dbSNP rs779353118, ClinGen allele CA4362124.
Genomic context (GRCh38, chr7:99,011,505, plus strand): 5'-TTCTGAGTTTCTGACCACCATCGGGGTCTCCGGCCCGTTGACAGCGTCCATGATTGCGGT[C>T]GCCCGGTGCTTCGCCCAGCCAAACTTTAAGGTGGGTCTCCACGTCGTCCTATCACAGGCG-3'
Protein context (NP_001362453.1, residues 3759-3779): SGPLTASMIA[Val3769=]ARCFAQPNFK

ClinVar aggregate classification (germline): Likely benign. Review status: criteria provided, multiple submitters, no conflicts (2 of 4 stars). 3 submissions from 3 submitters: Likely benign (2). 1 of the submissions does not count toward it. Last evaluated 2024-12-10.

Conditions:
TRRAP-related disorder. Also called: TRRAP-related condition.

Allele frequency attached by ClinVar (database versions not stated): gnomAD 0.00001; gnomAD exomes 0.00002; TOPMed 0.00003; ExAC 0.00004.
gnomAD v4.1: 26 of 1,614,026 alleles (0.0016%); highest among the groups gnomAD compares: Admixed American, 0.013%; no homozygotes.

Submissions (3):

Labcorp Genetics (formerly Invitae), Labcorp
Classification: Likely benign. Last evaluated: 2024-12-10. Review status: criteria provided, single submitter. Criteria: Invitae Variant Classification Sherloc (09022015). Collection method: clinical testing. Allele origin: germline.

Blueprint Genetics
Classification: Likely benign. Last evaluated: 2024-03-08. Review status: criteria provided, single submitter. Criteria: ACMG Guidelines, 2015. Collection method: clinical testing. Allele origin: germline.

PreventionGenetics, part of Exact Sciences
Classification: Likely benign for TRRAP-related condition. Last evaluated: 2020-06-11. Review status: no assertion criteria provided. Collection method: clinical testing. Allele origin: germline. Not counted in ClinVar's aggregate classification.
Comment: This variant is classified as likely benign based on ACMG/AMP sequence variant interpretation guidelines (Richards et al. 2015 PMID: 25741868, with internal and published modifications).